The following is an entry in ClinVar:

NM_000553.6(WRN):c.2207A>G (p.Tyr736Cys)

Gene: WRN (WRN RecQ like helicase; plus strand). Cytogenetic location: 8p12.
Variant type: single nucleotide variant.
Coding change: c.2207A>G on transcript NM_000553.6 (MANE Select); coding-DNA position 2207, A replaced by G.
Protein change: p.Tyr736Cys; replaces tyrosine 736 with cysteine.
Molecular consequence: missense variant.
Genome position (GRCh38, 1-based): chr8:31,111,733, A>G. VCF-style: chr8-31111733-A-G. GRCh37 (hg19) VCF-style: chr8-30969249-A-G.
Other names: short protein forms Y736C.
Identifiers: ClinVar variation 576060 (VCV000576060.1), dbSNP rs769819743, ClinGen allele CA4704670.

ClinVar aggregate classification (germline): Uncertain significance (1 of 4 stars; one submission).

Conditions:
Werner syndrome (WRN). Identifiers: Orphanet 902, MedGen C0043119, MONDO:0010196, OMIM 277700.

Allele frequency attached by ClinVar (database versions not stated): gnomAD exomes below 0.00001; ExAC 0.00001; gnomAD 0.00001.
gnomAD v4.1: 4 of 1,613,986 alleles (0.00025%); highest among the groups gnomAD compares: Non-Finnish European, 0.00017%; no homozygotes.

Submission:

Labcorp Genetics (formerly Invitae), Labcorp
Classification: Uncertain significance for Werner syndrome. Last evaluated: 2018-04-24. Review status: criteria provided, single submitter. Criteria: Invitae Variant Classification Sherloc (09022015). Collection method: clinical testing. Allele origin: germline.
Comment: This sequence change replaces tyrosine with cysteine at codon 736 of the WRN protein (p.Tyr736Cys). The tyrosine residue is highly conserved and there is a large physicochemical difference between tyrosine and cysteine. This variant is present in population databases (rs769819743, ExAC 0.02%). This variant has not been reported in the literature in individuals with WRN-related disease. Algorithms developed to predict the effect of missense changes on protein structure and function (SIFT, PolyPhen-2, Align-GVGD) all suggest that this variant is likely to be disruptive, but these predictions have not been confirmed by published functional studies and their clinical significance is uncertain. In summary, the available evidence is currently insufficient to determine the role of this variant in disease. Therefore, it has been classified as a Variant of Uncertain Significance.